The following is an entry in ClinVar:

NM_004304.5(ALK):c.1136C>G (p.Pro379Arg)

Gene: ALK (ALK receptor tyrosine kinase; minus strand). Cytogenetic location: 2p23.2.
Variant type: single nucleotide variant.
Coding change: c.1136C>G on transcript NM_004304.5 (MANE Select); coding-DNA position 1136, C replaced by G.
Protein change: p.Pro379Arg; replaces proline 379 with arginine.
Molecular consequence: missense variant.
Genome position (GRCh38, 1-based): chr2:29,531,933, G>C on the plus strand (C>G on the coding strand, the complement: ALK is on the minus strand). VCF-style: chr2-29531933-G-C. GRCh37 (hg19) VCF-style: chr2-29754799-G-C.
Other names: short protein forms P379R.
Identifiers: ClinVar variation 1485315 (VCV001485315.8), dbSNP rs2148158462, ClinGen allele CA346587198.

ClinVar aggregate classification (germline): Uncertain significance (1 of 4 stars; one submission).

Conditions:
Neuroblastoma, susceptibility to, 3. Also called: ALK-Related Neuroblastic Tumor Susceptibility. Identifiers: Orphanet 635, MedGen C2751681, MONDO:0013083, OMIM 613014.

Submission:

Labcorp Genetics (formerly Invitae), Labcorp
Classification: Uncertain significance for Neuroblastoma, susceptibility to, 3. Last evaluated: 2021-05-13. Review status: criteria provided, single submitter. Criteria: Invitae Variant Classification Sherloc (09022015). Collection method: clinical testing. Allele origin: germline.
Comment: In summary, the available evidence is currently insufficient to determine the role of this variant in disease. Therefore, it has been classified as a Variant of Uncertain Significance. Algorithms developed to predict the effect of missense changes on protein structure and function are either unavailable or do not agree on the potential impact of this missense change (SIFT: "Tolerated"; PolyPhen-2: "Possibly Damaging"; Align-GVGD: "Class C0"). This variant has not been reported in the literature in individuals with ALK-related conditions. This variant is not present in population databases (ExAC no frequency). This sequence change replaces proline with arginine at codon 379 of the ALK protein (p.Pro379Arg). The proline residue is moderately conserved and there is a moderate physicochemical difference between proline and arginine.